The following is an entry in ClinVar:

ClinVar aggregate classification (germline): Likely benign (1 of 4 stars; one submission).

gnomAD v4.1: 2 of 1,614,222 alleles (0.00012%); highest among the groups gnomAD compares: Non-Finnish European, 0.00017%; no homozygotes.

Submission:

CeGaT Center for Human Genetics Tuebingen
Classification: Likely benign. Last evaluated: 2025-08-01. Review status: criteria provided, single submitter. Criteria: CeGaT Center For Human Genetics Tuebingen Variant Classification Criteria Version 2. Collection method: clinical testing. Allele origin: germline. Affected: yes. Observed: 1 variant allele.
Comment: SCN10A: BP4, BP7

NM_006514.4(SCN10A):c.5583C>T (p.Ala1861=)

Gene: SCN10A (sodium voltage-gated channel alpha subunit 10; minus strand). Cytogenetic location: 3p22.2.
Variant type: single nucleotide variant.
Coding change: c.5583C>T on transcript NM_006514.4 (MANE Select); coding-DNA position 5583, C replaced by T.
Protein change: p.Ala1861=; no amino-acid change (alanine 1861 retained).
Molecular consequence: synonymous variant.
Genome position (GRCh38, 1-based): chr3:38,697,637, G>A on the plus strand (C>T on the coding strand, the complement: SCN10A is on the minus strand). VCF-style: chr3-38697637-G-A. GRCh37 (hg19) VCF-style: chr3-38739128-G-A.
Other names: c.5580C>T, p.Ala1860= (NM_001293306.2); c.5289C>T, p.Ala1763= (NM_001293307.2).
Identifiers: ClinVar variation 4085826 (VCV004085826.8).